The following is an entry in ClinVar:

ClinVar aggregate classification (germline): Benign. Review status: criteria provided, multiple submitters, no conflicts (2 of 4 stars). 7 submissions from 5 submitters: Benign (7). Last evaluated 2026-02-03.

Conditions:
Intellectual developmental disorder with epilepsy, behavioral abnormalities, and coarse facies. Identifiers: MedGen C5436646, MONDO:0033572, OMIM 619031.
Myopathy, epilepsy, and progressive cerebral atrophy. Identifiers: MedGen C5436652, MONDO:0033619, OMIM 619036.
Congenital myasthenic syndrome 15. Also called: Myasthenic syndrome, congenital, 15, without tubular aggregates. Identifiers: Orphanet 353327, Orphanet 590, MedGen C4015596, MONDO:0014542, OMIM 616227.

Allele frequency attached by ClinVar (database versions not stated): 1000 Genomes Project 0.04213; 1000 Genomes Project 30x 0.04232; TOPMed 0.07218; gnomAD exomes 0.07481; gnomAD 0.07521 and 0.07764; ESP Exome Variant Server 0.08420; ExAC 0.09506.
gnomAD v4.1: 135,568 of 1,602,176 alleles (8.5%); highest among the groups gnomAD compares: Non-Finnish European, 9.4%; 6,352 homozygotes.

Submissions 1 to 30 of 49:

Labcorp Genetics (formerly Invitae), Labcorp
Classification: Benign for Congenital myasthenic syndrome 15. Last evaluated: 2026-02-03. Review status: criteria provided, single submitter. Criteria: Invitae Variant Classification Sherloc (09022015). Collection method: clinical testing. Allele origin: germline.

Genome-Nilou Lab
Classification: Benign for Congenital myasthenic syndrome 15. Last evaluated: 2023-04-11. Review status: criteria provided, single submitter. Criteria: ACMG Guidelines, 2015. Collection method: clinical testing. Allele origin: germline. Affected: no.

Genome-Nilou Lab
Classification: Benign for Intellectual developmental disorder with epilepsy, behavioral abnormalities, and coarse facies. Last evaluated: 2023-04-11. Review status: criteria provided, single submitter. Criteria: ACMG Guidelines, 2015. Collection method: clinical testing. Allele origin: germline. Affected: no.

Genome-Nilou Lab
Classification: Benign for Myopathy, epilepsy, and progressive cerebral atrophy. Last evaluated: 2023-04-11. Review status: criteria provided, single submitter. Criteria: ACMG Guidelines, 2015. Collection method: clinical testing. Allele origin: germline. Affected: no.

Mayo Clinic Laboratories, Mayo Clinic
Classification: Benign. Last evaluated: 2019-01-02. Review status: criteria provided, single submitter. Criteria: ACMG Guidelines, 2015. Collection method: clinical testing. Allele origin: germline. Observed: 7 variant alleles.

GeneDx
Classification: Benign. Last evaluated: 2017-07-26. Review status: criteria provided, single submitter. Criteria: GeneDx Variant Classification (06012015). Collection method: clinical testing. Allele origin: germline. Affected: yes.
Comment: This variant is considered likely benign or benign based on one or more of the following criteria: it is a conservative change, it occurs at a poorly conserved position in the protein, it is predicted to be benign by multiple in silico algorithms, and/or has population frequency not consistent with disease.

Breakthrough Genomics
Classification: Benign. Review status: criteria provided, single submitter. Criteria: ACMG Guidelines, 2015. Collection method: not provided. Allele origin: germline. Inheritance: Autosomal recessive inheritance. Affected: yes.

Dr. Peter K. Rogan Lab, Western University
No classification provided (evidence only). Condition: Malignant lymphoma, large B-cell, diffuse. Review status: no classification provided. Collection method: in vitro. Allele origin: not applicable. Functional consequence: skipped exon. Not counted in ClinVar's aggregate classification.

Dr. Peter K. Rogan Lab, Western University
No classification provided (evidence only). Condition: Thymoma. Review status: no classification provided. Collection method: in vitro. Allele origin: not applicable. Functional consequence: skipped exon, retained intron. Not counted in ClinVar's aggregate classification.

Dr. Peter K. Rogan Lab, Western University
No classification provided (evidence only). Condition: Thymoma. Review status: no classification provided. Collection method: in vitro. Allele origin: not applicable. Functional consequence: skipped exon, retained intron. Not counted in ClinVar's aggregate classification.

Dr. Peter K. Rogan Lab, Western University
No classification provided (evidence only). Condition: Thymoma. Review status: no classification provided. Collection method: in vitro. Allele origin: not applicable. Functional consequence: retained intron. Not counted in ClinVar's aggregate classification.

Dr. Peter K. Rogan Lab, Western University
No classification provided (evidence only). Condition: Thymoma. Review status: no classification provided. Collection method: in vitro. Allele origin: not applicable. Functional consequence: skipped exon. Not counted in ClinVar's aggregate classification.

Dr. Peter K. Rogan Lab, Western University
No classification provided (evidence only). Condition: Thymoma. Review status: no classification provided. Collection method: in vitro. Allele origin: not applicable. Functional consequence: retained intron. Not counted in ClinVar's aggregate classification.

Dr. Peter K. Rogan Lab, Western University
No classification provided (evidence only). Condition: Cholangiocarcinoma. Review status: no classification provided. Collection method: in vitro. Allele origin: not applicable. Functional consequence: skipped exon, retained intron. Not counted in ClinVar's aggregate classification.

Dr. Peter K. Rogan Lab, Western University
No classification provided (evidence only). Condition: Cholangiocarcinoma. Review status: no classification provided. Collection method: in vitro. Allele origin: not applicable. Functional consequence: skipped exon. Not counted in ClinVar's aggregate classification.

Dr. Peter K. Rogan Lab, Western University
No classification provided (evidence only). Condition: Cholangiocarcinoma. Review status: no classification provided. Collection method: in vitro. Allele origin: not applicable. Functional consequence: skipped exon. Not counted in ClinVar's aggregate classification.

Dr. Peter K. Rogan Lab, Western University
No classification provided (evidence only). Condition: Gastric cancer. Review status: no classification provided. Collection method: in vitro. Allele origin: not applicable. Functional consequence: retained intron. Not counted in ClinVar's aggregate classification.

Dr. Peter K. Rogan Lab, Western University
No classification provided (evidence only). Condition: Gastric cancer. Review status: no classification provided. Collection method: in vitro. Allele origin: not applicable. Functional consequence: retained intron. Not counted in ClinVar's aggregate classification.

Dr. Peter K. Rogan Lab, Western University
No classification provided (evidence only). Condition: Gastric cancer. Review status: no classification provided. Collection method: in vitro. Allele origin: not applicable. Functional consequence: retained intron. Not counted in ClinVar's aggregate classification.

Dr. Peter K. Rogan Lab, Western University
No classification provided (evidence only). Condition: Uterine carcinosarcoma. Review status: no classification provided. Collection method: in vitro. Allele origin: not applicable. Functional consequence: skipped exon. Not counted in ClinVar's aggregate classification.

Dr. Peter K. Rogan Lab, Western University
No classification provided (evidence only). Condition: Uterine carcinosarcoma. Review status: no classification provided. Collection method: in vitro. Allele origin: not applicable. Functional consequence: skipped exon. Not counted in ClinVar's aggregate classification.

Dr. Peter K. Rogan Lab, Western University
No classification provided (evidence only). Condition: Uterine carcinosarcoma. Review status: no classification provided. Collection method: in vitro. Allele origin: not applicable. Functional consequence: skipped exon. Not counted in ClinVar's aggregate classification.

Dr. Peter K. Rogan Lab, Western University
No classification provided (evidence only). Condition: Uveal melanoma. Review status: no classification provided. Collection method: in vitro. Allele origin: not applicable. Functional consequence: retained intron. Not counted in ClinVar's aggregate classification.

Dr. Peter K. Rogan Lab, Western University
No classification provided (evidence only). Condition: Uveal melanoma. Review status: no classification provided. Collection method: in vitro. Allele origin: not applicable. Functional consequence: skipped exon. Not counted in ClinVar's aggregate classification.

Dr. Peter K. Rogan Lab, Western University
No classification provided (evidence only). Condition: Chronic lymphocytic leukemia/small lymphocytic lymphoma. Review status: no classification provided. Collection method: in vitro. Allele origin: not applicable. Functional consequence: retained intron. Not counted in ClinVar's aggregate classification.

Dr. Peter K. Rogan Lab, Western University
No classification provided (evidence only). Condition: Familial pancreatic carcinoma. Review status: no classification provided. Collection method: in vitro. Allele origin: not applicable. Functional consequence: skipped exon. Not counted in ClinVar's aggregate classification.

Dr. Peter K. Rogan Lab, Western University
No classification provided (evidence only). Condition: Familial pancreatic carcinoma. Review status: no classification provided. Collection method: in vitro. Allele origin: not applicable. Functional consequence: skipped exon. Not counted in ClinVar's aggregate classification.

Dr. Peter K. Rogan Lab, Western University
No classification provided (evidence only). Condition: Familial pancreatic carcinoma. Review status: no classification provided. Collection method: in vitro. Allele origin: not applicable. Functional consequence: skipped exon. Not counted in ClinVar's aggregate classification.

Dr. Peter K. Rogan Lab, Western University
No classification provided (evidence only). Condition: Ovarian cancer. Review status: no classification provided. Collection method: in vitro. Allele origin: not applicable. Functional consequence: retained intron. Not counted in ClinVar's aggregate classification.

Dr. Peter K. Rogan Lab, Western University
No classification provided (evidence only). Condition: Ovarian cancer. Review status: no classification provided. Collection method: in vitro. Allele origin: not applicable. Functional consequence: skipped exon. Not counted in ClinVar's aggregate classification.

NM_144988.4(ALG14):c.137-18T>A

Genes: ALG14 (ALG14 UDP-N-acetylglucosaminyltransferase subunit; minus strand), ALG14-AS1 (ALG14 antisense RNA 1; plus strand). Cytogenetic location: 1p21.3.
Variant type: single nucleotide variant.
Coding change: c.137-18T>A on transcript NM_144988.4 (MANE Select); 18 bases into the intron before coding-DNA position 137, T replaced by A.
Molecular consequence: intron variant.
Genome position (GRCh38, 1-based): chr1:95,065,035, A>T on the plus strand (T>A on the coding strand, the complement: ALG14 is on the minus strand). VCF-style: chr1-95065035-A-T. GRCh37 (hg19) VCF-style: chr1-95530591-A-T.
Other names: p.?; c.137-18T>A (NM_001305242.2).
Identifiers: ClinVar variation 516659 (VCV000516659.15), dbSNP rs12751061, ClinGen allele CA961859.
Genomic context (GRCh38, chr1:95,065,035, plus strand): 5'-GACAAGCTCCCAAGCAGCCTCAGGATCTCAGTGGTATGCCCACCTGGAAAAAATATCAGA[A>T]GTCCTAAGATTAAGAAACCCACAATGGACATATCCATTTGACCATGTTATACCAATATCA-3'